The following is an entry in ClinVar:

NM_006231.4(POLE):c.1795-250C>T

Gene: POLE (DNA polymerase epsilon, catalytic subunit; minus strand). Cytogenetic location: 12q24.33.
Variant type: single nucleotide variant.
Coding change: c.1795-250C>T on transcript NM_006231.4 (MANE Select); 250 bases into the intron before coding-DNA position 1795, C replaced by T.
Molecular consequence: intron variant.
Genome position (GRCh38, 1-based): chr12:132,669,189, G>A on the plus strand (C>T on the coding strand, the complement: POLE is on the minus strand). VCF-style: chr12-132669189-G-A. GRCh37 (hg19) VCF-style: chr12-133245775-G-A.
Identifiers: ClinVar variation 679751 (VCV000679751.1), dbSNP rs5744794, ClinGen allele CA246289871.
Genomic context (GRCh38, chr12:132,669,189, plus strand): 5'-CATTAGAAAATTACTTGAACACTAAACTCTCCTTAGTATTAAAAAAAATCCTTAGGCCAG[G>A]TGCAGTGGTTCATGCTTGTAATCCTAGCACTTTCGGAGACCGAGGCCAGAGGATCACTTG-3'

ClinVar aggregate classification (germline): Likely benign (1 of 4 stars; one submission).

Allele frequency attached by ClinVar (database versions not stated): 1000 Genomes Project 0.00479; 1000 Genomes Project 30x 0.00531; gnomAD 0.00851 and 0.00884; TOPMed 0.00945.
gnomAD v4.1: 1,312 of 152,226 alleles (0.86%); highest among the groups gnomAD compares: Middle Eastern, 1.7%; 15 homozygotes.

Submission:

GeneDx
Classification: Likely benign. Last evaluated: 2018-06-17. Review status: criteria provided, single submitter. Criteria: GeneDx Variant Classification (06012015). Collection method: clinical testing. Allele origin: germline. Affected: yes.
Comment: This variant is considered likely benign or benign based on one or more of the following criteria: it is a conservative change, it occurs at a poorly conserved position in the protein, it is predicted to be benign by multiple in silico algorithms, and/or has population frequency not consistent with disease.